The following is an entry in ClinVar:

ClinVar aggregate classification (germline): Uncertain significance (1 of 4 stars; one submission).

Conditions:
Cardiovascular phenotype. Identifiers: MedGen CN230736.
Hereditary cancer-predisposing syndrome. Also called: Neoplastic Syndromes, Hereditary; Tumor predisposition; Hereditary Cancer Syndrome; Hereditary neoplastic syndrome. Identifiers: Orphanet 140162, MedGen C0027672, MeSH D009386, MONDO:0015356.

Submission:

Ambry Genetics
Classification: Uncertain significance for Cardiovascular phenotype; Hereditary cancer-predisposing syndrome. Last evaluated: 2026-04-15. Review status: criteria provided, single submitter. Criteria: Ambry Variant Classification Scheme 2023. Collection method: clinical testing. Allele origin: germline.
Comment: The p.W2054C variant (also known as c.6162G>T), located in coding exon 41 of the NF1 gene, results from a G to T substitution at nucleotide position 6162. The tryptophan at codon 2054 is replaced by cysteine, an amino acid with highly dissimilar properties. This amino acid position is highly conserved in available vertebrate species. In addition, this alteration is predicted to be deleterious by in silico analysis. Based on the available evidence, the clinical significance of this variant remains unclear.

NM_001042492.3(NF1):c.6225G>T (p.Trp2075Cys)

Gene: NF1 (neurofibromin 1; plus strand). Cytogenetic location: 17q11.2.
Variant type: single nucleotide variant.
Coding change: c.6225G>T on transcript NM_001042492.3 (MANE Select); coding-DNA position 6225, G replaced by T.
Protein change: p.Trp2075Cys; replaces tryptophan 2075 with cysteine.
Molecular consequence: missense variant.
Genome position (GRCh38, 1-based): chr17:31,336,712, G>T. VCF-style: chr17-31336712-G-T. GRCh37 (hg19) VCF-style: chr17-29663730-G-T.
Other names: c.6162G>T, p.Trp2054Cys (NM_000267.4); short protein forms W2054C, W2075C.
Identifiers: ClinVar variation 4860921 (VCV004860921.1).